The following is an entry in ClinVar:

NM_000400.4(ERCC2):c.2137G>C (p.Gly713Arg)

Gene: ERCC2 (ERCC excision repair 2, TFIIH core complex helicase subunit; minus strand). Cytogenetic location: 19q13.32.
Variant type: single nucleotide variant.
Coding change: c.2137G>C on transcript NM_000400.4 (MANE Select); coding-DNA position 2137, G replaced by C.
Protein change: p.Gly713Arg; replaces glycine 713 with arginine.
Molecular consequence: missense variant.
Genome position (GRCh38, 1-based): chr19:45,352,262, C>G on the plus strand (G>C on the coding strand, the complement: ERCC2 is on the minus strand). VCF-style: chr19-45352262-C-G. GRCh37 (hg19) VCF-style: chr19-45855520-C-G.
Other names: c.2137G>C (NM_000400.3); short protein forms G713R.
Identifiers: ClinVar variation 16786 (VCV000016786.2), dbSNP rs121913022, ClinGen allele CA126887.

ClinVar aggregate classification (germline): Uncertain significance. Review status: criteria provided, single submitter (1 of 4 stars). 2 submissions from 2 submitters: Uncertain significance (1). 1 of the submissions does not count toward it. Last evaluated 2023-04-03.

Conditions:
Trichothiodystrophy 1, photosensitive (TTD1). Also called: TAY SYNDROME; TRICHOTHIODYSTROPHY WITH CONGENITAL ICHTHYOSIS; PIBIDS SYNDROME. Identifiers: Orphanet 33364, MedGen C1866504, MONDO:0011125, OMIM 601675.

Allele frequency attached by ClinVar (database versions not stated): gnomAD 0.00001; TOPMed 0.00001.
gnomAD v4.1: 18 of 1,613,954 alleles (0.0011%); highest among the groups gnomAD compares: Non-Finnish European, 0.0015%; no homozygotes.

Submissions (2):

Women's Health and Genetics/Laboratory Corporation of America, LabCorp
Classification: Uncertain significance. Last evaluated: 2023-04-03. Review status: criteria provided, single submitter. Criteria: LabCorp Variant Classification Summary - May 2015. Collection method: clinical testing. Allele origin: germline.
Comment: Variant summary: ERCC2 c.2137G>C (p.Gly713Arg) results in a non-conservative amino acid change in the encoded protein sequence. Three of five in-silico tools predict a damaging effect of the variant on protein function. The variant was absent in 251302 control chromosomes. The available data on variant occurrences in the general population are insufficient to allow any conclusion about variant significance. c.2137G>C has been reported in the literature as a compound heterozygous genotype in at-least one individual affected with Trichothiodystrophy who has been subsequently cited by others (example, Takayama_1996, Taylor_1997, Botta_1998, Lanzafame_2022). These data do not allow any conclusion about variant significance. At least one publication reports experimental evidence evaluating an impact on protein function reporting abolished interaction with the p44 subunit of TFIIH resulting in reduced helicase activity of XPD (Dubaele_2003). No clinical diagnostic laboratories have submitted clinical-significance assessments for this variant to ClinVar after 2014. Based on the evidence outlined above, the variant was classified as uncertain significance.

OMIM
Classification: Pathogenic for TRICHOTHIODYSTROPHY 1, PHOTOSENSITIVE. Last evaluated: 1996-02-01. Review status: no assertion criteria provided. Collection method: literature only. Allele origin: germline. Not counted in ClinVar's aggregate classification.

Literature cited by the submitters: PubMed 12820975 (cited by Women's Health and Genetics/Laboratory Corporation of America, LabCorp); PubMed 9238033 (cited by Women's Health and Genetics/Laboratory Corporation of America, LabCorp); PubMed 8571952 (cited by Women's Health and Genetics/Laboratory Corporation of America, LabCorp and OMIM); PubMed 9758621 (cited by Women's Health and Genetics/Laboratory Corporation of America, LabCorp); PubMed 36259739 (cited by Women's Health and Genetics/Laboratory Corporation of America, LabCorp).